The following is an entry in ClinVar:

NM_001040142.2(SCN2A):c.4551+327T>C

Gene: SCN2A (sodium voltage-gated channel alpha subunit 2; plus strand). Cytogenetic location: 2q24.3.
Variant type: single nucleotide variant.
Coding change: c.4551+327T>C on transcript NM_001040142.2 (MANE Select); 327 bases into the intron after coding-DNA position 4551, T replaced by C.
Molecular consequence: intron variant.
Genome position (GRCh38, 1-based): chr2:165,381,524, T>C. VCF-style: chr2-165381524-T-C. GRCh37 (hg19) VCF-style: chr2-166238034-T-C.
Other names: c.4551+327T>C (NM_001040143.2, NM_001371246.1, NM_001371247.1 and 1 more transcripts).
Identifiers: ClinVar variation 668723 (VCV000668723.1), dbSNP rs7581427, ClinGen allele CA11088924.
Genomic context (GRCh38, chr2:165,381,524, plus strand): 5'-CAAGCTGATGTCATTAAGACACTTCTAATAACATCAAAAATAAAATACATACATACATAA[T>C]GTGAAAATATTAAATGTTCTCAGAGTACAGAGGAGACAGATCGGAATAATTGGTACGTCA-3'

ClinVar aggregate classification (germline): Benign (1 of 4 stars; one submission).

Allele frequency attached by ClinVar (database versions not stated): 1000 Genomes Project 0.27875; 1000 Genomes Project 30x 0.28154; gnomAD 0.29655 and 0.29666; TOPMed 0.30640.
gnomAD v4.1: 45,073 of 151,806 alleles (30%); highest among the groups gnomAD compares: Middle Eastern, 49%; 7,038 homozygotes.

Submission:

GeneDx
Classification: Benign. Last evaluated: 2018-06-19. Review status: criteria provided, single submitter. Criteria: GeneDx Variant Classification (06012015). Collection method: clinical testing. Allele origin: germline. Affected: yes.
Comment: This variant is considered likely benign or benign based on one or more of the following criteria: it is a conservative change, it occurs at a poorly conserved position in the protein, it is predicted to be benign by multiple in silico algorithms, and/or has population frequency not consistent with disease.